The following is an entry in ClinVar:

NM_002691.4(POLD1):c.298G>A (p.Glu100Lys)

Gene: POLD1 (DNA polymerase delta 1, catalytic subunit; plus strand). Cytogenetic location: 19q13.33.
Variant type: single nucleotide variant.
Coding change: c.298G>A on transcript NM_002691.4 (MANE Select); coding-DNA position 298, G replaced by A.
Protein change: p.Glu100Lys; replaces glutamic acid 100 with lysine.
Molecular consequence: missense variant. On other transcripts: non-coding transcript variant (1).
Genome position (GRCh38, 1-based): chr19:50,399,466, G>A. VCF-style: chr19-50399466-G-A. GRCh37 (hg19) VCF-style: chr19-50902723-G-A.
Other names: c.298G>A, p.Glu100Lys (NM_001256849.1, NM_001308632.1); c.298G>A (NM_002691.2); short protein forms E100K.
Identifiers: ClinVar variation 2989157 (VCV002989157.4), dbSNP rs1321174766, ClinGen allele CA406970633.

ClinVar aggregate classification (germline): Uncertain significance. Review status: criteria provided, multiple submitters, no conflicts (2 of 4 stars). 2 submissions from 2 submitters: Uncertain significance (2). Last evaluated 2025-01-19.

Conditions:
Hereditary cancer-predisposing syndrome. Also called: Neoplastic Syndromes, Hereditary; Tumor predisposition; Hereditary Cancer Syndrome; Hereditary neoplastic syndrome. Identifiers: Orphanet 140162, MedGen C0027672, MeSH D009386, MONDO:0015356.
POLD1-related polyposis and colorectal cancer syndrome (CRCS10). Also called: Colorectal cancer 10; COLORECTAL CANCER, SUSCEPTIBILITY TO, ON CHROMOSOME 19q; Colorectal cancer, susceptibility to, 10. Identifiers: Orphanet 220460, MedGen C2675481, MONDO:0012953, OMIM 612591.

Allele frequency attached by ClinVar (database versions not stated): gnomAD exomes below 0.00001.
gnomAD v4.1: 1 of 1,613,078 alleles (0.000062%); highest among the groups gnomAD compares: Non-Finnish European, 0.000085%; no homozygotes.

Submissions (2):

Labcorp Genetics (formerly Invitae), Labcorp
Classification: Uncertain significance for POLD1-related polyposis and colorectal cancer syndrome. Last evaluated: 2025-01-19. Review status: criteria provided, single submitter. Criteria: Invitae Variant Classification Sherloc (09022015). Collection method: clinical testing. Allele origin: germline.
Comment: This sequence change replaces glutamic acid, which is acidic and polar, with lysine, which is basic and polar, at codon 100 of the POLD1 protein (p.Glu100Lys). This variant is present in population databases (no rsID available, gnomAD 0.0009%). This variant has not been reported in the literature in individuals affected with POLD1-related conditions. ClinVar contains an entry for this variant (Variation ID: 2989157). Invitae Evidence Modeling of protein sequence and biophysical properties (such as structural, functional, and spatial information, amino acid conservation, physicochemical variation, residue mobility, and thermodynamic stability) indicates that this missense variant is expected to disrupt POLD1 protein function with a positive predictive value of 80%. In summary, the available evidence is currently insufficient to determine the role of this variant in disease. Therefore, it has been classified as a Variant of Uncertain Significance.

Ambry Genetics
Classification: Uncertain significance for Hereditary cancer-predisposing syndrome. Last evaluated: 2023-09-25. Review status: criteria provided, single submitter. Criteria: Ambry Variant Classification Scheme 2023. Collection method: clinical testing. Allele origin: germline.
Comment: The p.E100K variant (also known as c.298G>A), located in coding exon 2 of the POLD1 gene, results from a G to A substitution at nucleotide position 298. The glutamic acid at codon 100 is replaced by lysine, an amino acid with similar properties. This amino acid position is conserved. In addition, this alteration is predicted to be tolerated by in silico analysis. Since supporting evidence is limited at this time, the clinical significance of this alteration remains unclear.